The following is an entry in ClinVar:

ClinVar aggregate classification (germline): Likely pathogenic (1 of 4 stars; one submission).

Submission:

GeneDx
Classification: Likely pathogenic. Last evaluated: 2024-02-11. Review status: criteria provided, single submitter. Criteria: GeneDx Variant Classification Process June 2021. Collection method: clinical testing. Allele origin: germline. Affected: yes.
Comment: Not observed at significant frequency in large population cohorts (gnomAD); In silico analysis supports that this missense variant has a deleterious effect on protein structure/function; Missense variants in this gene are a common cause of disease and they are underrepresented in the general population; This variant is associated with the following publications: (PMID: 35346287)

NM_000533.5(PLP1):c.62C>T (p.Ala21Val)

Genes: PLP1 (proteolipid protein 1; plus strand), RAB9B (RAB9B, member RAS oncogene family; minus strand). Cytogenetic location: Xq22.2.
Variant type: single nucleotide variant.
Coding change: c.62C>T on transcript NM_000533.5 (MANE Select); coding-DNA position 62, C replaced by T.
Protein change: p.Ala21Val; replaces alanine 21 with valine.
Molecular consequence: missense variant. On other transcripts: intron variant (1).
Genome position (GRCh38, 1-based): chrX:103,785,639, C>T. VCF-style: chrX-103785639-C-T. GRCh37 (hg19) VCF-style: chrX-103040568-C-T.
Other names: c.62C>T, p.Ala21Val (NM_001128834.3, NM_199478.3); c.5-108C>T (NM_001305004.1); short protein forms A21V.
Identifiers: ClinVar variation 3369100 (VCV003369100.1).
Genomic context (GRCh38, chrX:103,785,639, plus strand): 5'-CAGGCTTGTTAGAGTGCTGTGCAAGATGTCTGGTAGGGGCCCCCTTTGCTTCCCTGGTGG[C>T]CACTGGATTGTGTTTCTTTGGGGTGGCACTGTTCTGTGGCTGTGGACATGAAGCCCTCAC-3'
Protein context (NP_000524.3, residues 11-31): LVGAPFASLV[Ala21Val]TGLCFFGVAL